The following is an entry in ClinVar:

NM_001184900.3(CARD8):c.480G>C (p.Gln160His)

Gene: CARD8 (caspase recruitment domain family member 8; minus strand). Cytogenetic location: 19q13.33.
Variant type: single nucleotide variant.
Coding change: c.480G>C on transcript NM_001184900.3 (MANE Select); coding-DNA position 480, G replaced by C.
Protein change: p.Gln160His; replaces glutamine 160 with histidine.
Molecular consequence: missense variant. On other transcripts: non-coding transcript variant (4).
Genome position (GRCh38, 1-based): chr19:48,231,722, C>G on the plus strand (G>C on the coding strand, the complement: CARD8 is on the minus strand). VCF-style: chr19-48231722-C-G. GRCh37 (hg19) VCF-style: chr19-48734979-C-G.
Other names: c.330G>C, p.Gln110His (NM_001184901.1, NM_001351783.2, NM_001351788.2 and 2 more transcripts); c.480G>C, p.Gln160His (NM_001184902.2, NM_001184903.1, NM_001351782.2); c.165G>C, p.Gln55His (NM_001351784.2, NM_001351787.2, NM_001351791.2 and 2 more transcripts); c.144G>C, p.Gln48His (NM_001351786.2); c.237G>C, p.Gln79His (NM_001351790.2); short protein forms Q110H, Q160H, Q48H, Q55H, Q79H.
Identifiers: ClinVar variation 1063855 (VCV001063855.9), dbSNP rs145216351, ClinGen allele CA309290466.

ClinVar aggregate classification (germline): Uncertain significance (1 of 4 stars; one submission).

Allele frequency attached by ClinVar (database versions not stated): gnomAD exomes below 0.00001; gnomAD 0.00002; TOPMed 0.00006; ESP Exome Variant Server 0.00008.
gnomAD v4.1: 9 of 1,613,558 alleles (0.00056%); highest among the groups gnomAD compares: African/African-American, 0.012%; no homozygotes.

Submission:

Labcorp Genetics (formerly Invitae), Labcorp
Classification: Uncertain significance. Last evaluated: 2022-07-19. Review status: criteria provided, single submitter. Criteria: Invitae Variant Classification Sherloc (09022015). Collection method: clinical testing. Allele origin: germline.
Comment: In summary, the available evidence is currently insufficient to determine the role of this variant in disease. Therefore, it has been classified as a Variant of Uncertain Significance. Algorithms developed to predict the effect of missense changes on protein structure and function are either unavailable or do not agree on the potential impact of this missense change (SIFT: "Deleterious"; PolyPhen-2: "Benign"; Align-GVGD: "Class C0"). ClinVar contains an entry for this variant (Variation ID: 1063855). This variant has not been reported in the literature in individuals affected with CARD8-related conditions. This variant is present in population databases (rs145216351, gnomAD 0.03%). This sequence change replaces glutamine, which is neutral and polar, with histidine, which is basic and polar, at codon 110 of the CARD8 protein (p.Gln110His).